The following is an entry in ClinVar:

ClinVar aggregate classification (germline): Uncertain significance (1 of 4 stars; one submission).

Allele frequency attached by ClinVar (database versions not stated): TOPMed below 0.00001; ExAC 0.00001; gnomAD 0.00001; ESP Exome Variant Server 0.00008.
gnomAD v4.1: 1 of 1,613,984 alleles (0.000062%); highest among the groups gnomAD compares: Admixed American, 0.0017%; no homozygotes.

Submission:

Labcorp Genetics (formerly Invitae), Labcorp
Classification: Uncertain significance. Last evaluated: 2021-11-30. Review status: criteria provided, single submitter. Criteria: Invitae Variant Classification Sherloc (09022015). Collection method: clinical testing. Allele origin: germline.
Comment: Algorithms developed to predict the effect of sequence changes on RNA splicing suggest that this variant may create or strengthen a splice site. Algorithms developed to predict the effect of missense changes on protein structure and function are either unavailable or do not agree on the potential impact of this missense change (SIFT: "Deleterious"; PolyPhen-2: "Possibly Damaging"; Align-GVGD: "Class C0"). This variant has not been reported in the literature in individuals affected with SZT2-related conditions. This variant is present in population databases (rs375720897, gnomAD 0.007%). This sequence change replaces histidine, which is basic and polar, with arginine, which is basic and polar, at codon 1076 of the SZT2 protein (p.His1076Arg). In summary, the available evidence is currently insufficient to determine the role of this variant in disease. Therefore, it has been classified as a Variant of Uncertain Significance.

NM_001365999.1(SZT2):c.3398A>G (p.His1133Arg)

Gene: SZT2 (SZT2 subunit of KICSTOR complex; plus strand). Cytogenetic location: 1p34.2.
Variant type: single nucleotide variant.
Coding change: c.3398A>G on transcript NM_001365999.1 (MANE Select); coding-DNA position 3398, A replaced by G.
Protein change: p.His1133Arg; replaces histidine 1133 with arginine.
Molecular consequence: missense variant.
Genome position (GRCh38, 1-based): chr1:43,427,144, A>G. VCF-style: chr1-43427144-A-G. GRCh37 (hg19) VCF-style: chr1-43892815-A-G.
Other names: c.3227A>G, p.His1076Arg (NM_015284.4); short protein forms H1076R, H1133R.
Identifiers: ClinVar variation 1936707 (VCV001936707.3), dbSNP rs375720897, ClinGen allele CA808970.